The following is an entry in ClinVar:

NM_001145073.3(USP27X):c.965A>G (p.Lys322Arg)

Gene: USP27X (ubiquitin specific peptidase 27 X-linked; plus strand). Cytogenetic location: Xp11.23.
Variant type: single nucleotide variant.
Coding change: c.965A>G on transcript NM_001145073.3 (MANE Select); coding-DNA position 965, A replaced by G.
Protein change: p.Lys322Arg; replaces lysine 322 with arginine.
Molecular consequence: missense variant.
Genome position (GRCh38, 1-based): chrX:49,881,272, A>G. VCF-style: chrX-49881272-A-G. GRCh37 (hg19) VCF-style: chrX-49645875-A-G.
Other names: short protein forms K322R.
Identifiers: ClinVar variation 3781247 (VCV003781247.1).

ClinVar aggregate classification (germline): Uncertain significance (1 of 4 stars; one submission).

Submission:

GeneDx
Classification: Uncertain significance. Last evaluated: 2024-10-21. Review status: criteria provided, single submitter. Criteria: GeneDx Variant Classification Process June 2021. Collection method: clinical testing. Allele origin: germline. Affected: yes.
Comment: Not observed at significant frequency in large population cohorts (gnomAD); In silico analysis supports that this missense variant has a deleterious effect on protein structure/function; Has not been previously published as pathogenic or benign to our knowledge